The following is an entry in ClinVar:

ClinVar aggregate classification (germline): Uncertain significance (1 of 4 stars; one submission).

Allele frequency attached by ClinVar (database versions not stated): TOPMed below 0.00001.

Submission:

Labcorp Genetics (formerly Invitae), Labcorp
Classification: Uncertain significance. Last evaluated: 2019-09-18. Review status: criteria provided, single submitter. Criteria: Invitae Variant Classification Sherloc (09022015). Collection method: clinical testing. Allele origin: germline.
Comment: This variant has not been reported in the literature in individuals with RGS9-related conditions. In summary, the available evidence is currently insufficient to determine the role of this variant in disease. Therefore, it has been classified as a Variant of Uncertain Significance. Algorithms developed to predict the effect of missense changes on protein structure and function (SIFT, PolyPhen-2, Align-GVGD) all suggest that this variant is likely to be tolerated, but these predictions have not been confirmed by published functional studies and their clinical significance is uncertain. This variant is not present in population databases (ExAC no frequency). This sequence change replaces alanine with threonine at codon 508 of the RGS9 protein (p.Ala508Thr). The alanine residue is weakly conserved and there is a small physicochemical difference between alanine and threonine.

NM_003835.4(RGS9):c.1522G>A (p.Ala508Thr)

Gene: RGS9 (regulator of G protein signaling 9; plus strand). Cytogenetic location: 17q24.1.
Variant type: single nucleotide variant.
Coding change: c.1522G>A on transcript NM_003835.4 (MANE Select); coding-DNA position 1522, G replaced by A.
Protein change: p.Ala508Thr; replaces alanine 508 with threonine.
Molecular consequence: missense variant.
Genome position (GRCh38, 1-based): chr17:65,225,116, G>A. VCF-style: chr17-65225116-G-A. GRCh37 (hg19) VCF-style: chr17-63221234-G-A.
Other names: c.1513G>A, p.Ala505Thr (NM_001081955.3); short protein forms A505T, A508T.
Identifiers: ClinVar variation 940108 (VCV000940108.9), dbSNP rs1295344167, ClinGen allele CA400673444.